The following is an entry in ClinVar:

NM_000338.3(SLC12A1):c.1986T>A (p.Ser662Arg)

Gene: SLC12A1 (solute carrier family 12 member 1; plus strand). Cytogenetic location: 15q21.1.
Variant type: single nucleotide variant.
Coding change: c.1986T>A on transcript NM_000338.3 (MANE Select); coding-DNA position 1986, T replaced by A.
Protein change: p.Ser662Arg; replaces serine 662 with arginine.
Molecular consequence: missense variant.
Genome position (GRCh38, 1-based): chr15:48,255,854, T>A. VCF-style: chr15-48255854-T-A. GRCh37 (hg19) VCF-style: chr15-48548051-T-A.
Other names: c.1986T>A, p.Ser662Arg (NM_001184832.2, NM_001384136.1); short protein forms S662R.
Identifiers: ClinVar variation 2055392 (VCV002055392.1), dbSNP rs1266572683, ClinGen allele CA392313839.

ClinVar aggregate classification (germline): Uncertain significance (1 of 4 stars; one submission).

Allele frequency attached by ClinVar (database versions not stated): gnomAD exomes 0.00001.
gnomAD v4.1: 5 of 1,608,398 alleles (0.00031%); highest among the groups gnomAD compares: South Asian, 0.0022%; no homozygotes.

Submission:

Labcorp Genetics (formerly Invitae), Labcorp
Classification: Uncertain significance. Last evaluated: 2022-08-10. Review status: criteria provided, single submitter. Criteria: Invitae Variant Classification Sherloc (09022015). Collection method: clinical testing. Allele origin: germline.
Comment: This sequence change replaces serine, which is neutral and polar, with arginine, which is basic and polar, at codon 662 of the SLC12A1 protein (p.Ser662Arg). The frequency data for this variant in the population databases is considered unreliable, as metrics indicate poor data quality at this position in the gnomAD database. This variant has not been reported in the literature in individuals affected with SLC12A1-related conditions. Algorithms developed to predict the effect of missense changes on protein structure and function (SIFT, PolyPhen-2, Align-GVGD) all suggest that this variant is likely to be tolerated. In summary, the available evidence is currently insufficient to determine the role of this variant in disease. Therefore, it has been classified as a Variant of Uncertain Significance.